The following is an entry in ClinVar:

NM_001378204.1(CCDC18):c.569+9A>G

Gene: CCDC18 (coiled-coil domain containing 18; plus strand). Cytogenetic location: 1p22.1.
Variant type: single nucleotide variant.
Coding change: c.569+9A>G on transcript NM_001378204.1 (MANE Select); 9 bases into the intron after coding-DNA position 569, A replaced by G.
Molecular consequence: intron variant.
Genome position (GRCh38, 1-based): chr1:93,192,115, A>G. VCF-style: chr1-93192115-A-G. GRCh37 (hg19) VCF-style: chr1-93657672-A-G.
Other names: c.569+9A>G (NM_206886.4, NM_001306076.1).
Identifiers: ClinVar variation 3043777 (VCV003043777.2), dbSNP rs115246469, ClinGen allele CA953794.

ClinVar aggregate classification (germline): Benign (0 of 4 stars; one submission).

Conditions:
CCDC18-related disorder. Also called: CCDC18-related condition.

Allele frequency attached by ClinVar (database versions not stated): 1000 Genomes Project 0.00499; TOPMed 0.00757; ESP Exome Variant Server 0.00974; ExAC 0.01040; gnomAD 0.01133; gnomAD exomes 0.01275.
gnomAD v4.1: 19,185 of 1,530,460 alleles (1.3%); highest among the groups gnomAD compares: Non-Finnish European, 1.3%; 179 homozygotes.

Submission:

PreventionGenetics, part of Exact Sciences
Classification: Benign for CCDC18-related condition. Last evaluated: 2019-06-05. Review status: no assertion criteria provided. Collection method: clinical testing. Allele origin: germline.
Comment: This variant is classified as benign based on ACMG/AMP sequence variant interpretation guidelines (Richards et al. 2015 PMID: 25741868, with internal and published modifications).